The following is an entry in ClinVar:

ClinVar aggregate classification (germline): Likely pathogenic. Review status: criteria provided, multiple submitters, no conflicts (2 of 4 stars). 2 submissions from 2 submitters: Likely pathogenic (2). Last evaluated 2024-03-28.

Conditions:
Intellectual disability, X-linked 102 (MRXSSB). Also called: Intellectual developmental disorder, X-linked syndromic, Snijders Blok type. Identifiers: Orphanet 457260, MedGen C5393299, MONDO:0010497, OMIM 300958.

Submissions (2):

Baylor Genetics
Classification: Likely pathogenic for Intellectual disability, X-linked 102. Last evaluated: 2024-03-28. Review status: criteria provided, single submitter. Criteria: ACMG Guidelines, 2015. Collection method: clinical testing. Allele origin: unknown.

CeGaT Center for Human Genetics Tuebingen
Classification: Likely pathogenic. Last evaluated: 2023-03-01. Review status: criteria provided, single submitter. Criteria: CeGaT Center For Human Genetics Tuebingen Variant Classification Criteria Version 2. Collection method: clinical testing. Allele origin: germline. Affected: yes. Observed: 3 variant alleles.
Comment: DDX3X: PM1, PM2, PM5, PP2

NM_001356.5(DDX3X):c.118C>T (p.Pro40Ser)

Gene: DDX3X (DEAD-box helicase 3 X-linked; plus strand). Cytogenetic location: Xp11.4.
Variant type: single nucleotide variant.
Coding change: c.118C>T on transcript NM_001356.5 (MANE Select); coding-DNA position 118, C replaced by T.
Protein change: p.Pro40Ser; replaces proline 40 with serine.
Molecular consequence: missense variant. On other transcripts: 5 prime UTR variant (1), non-coding transcript variant (1), intron variant (1).
Genome position (GRCh38, 1-based): chrX:41,339,050, C>T. VCF-style: chrX-41339050-C-T. GRCh37 (hg19) VCF-style: chrX-41198303-C-T.
Other names: c.118C>T, p.Pro40Ser (NM_001193416.3); c.-441C>T (NM_001363819.1); c.103+1585C>T (NM_001193417.3); short protein forms P40S.
Identifiers: ClinVar variation 810576 (VCV000810576.43), dbSNP rs1602122138, ClinGen allele CA412762929.